The following is an entry in ClinVar:

ClinVar aggregate classification (germline): Uncertain significance. Review status: criteria provided, multiple submitters, no conflicts (2 of 4 stars). 2 submissions from 2 submitters: Uncertain significance (2). Last evaluated 2022-11-01.

Conditions:
Inborn genetic diseases. Identifiers: MedGen C0950123, MeSH D030342.

Allele frequency attached by ClinVar (database versions not stated): gnomAD exomes 0.00002 and 0.00004; ExAC 0.00007; ESP Exome Variant Server 0.00008; 1000 Genomes Project 30x 0.00016; TOPMed 0.00018; 1000 Genomes Project 0.00020; gnomAD 0.00023.
gnomAD v4.1: 57 of 1,613,420 alleles (0.0035%); highest among the groups gnomAD compares: African/African-American, 0.073%; 1 homozygote.

Submissions (2):

Labcorp Genetics (formerly Invitae), Labcorp
Classification: Uncertain significance. Last evaluated: 2022-11-01. Review status: criteria provided, single submitter. Criteria: Invitae Variant Classification Sherloc (09022015). Collection method: clinical testing. Allele origin: germline.
Comment: This sequence change replaces glutamic acid, which is acidic and polar, with aspartic acid, which is acidic and polar, at codon 418 of the PLK4 protein (p.Glu418Asp). This variant is present in population databases (rs369153451, gnomAD 0.07%). This variant has not been reported in the literature in individuals affected with PLK4-related conditions. ClinVar contains an entry for this variant (Variation ID: 940608). Algorithms developed to predict the effect of missense changes on protein structure and function (SIFT, PolyPhen-2, Align-GVGD) all suggest that this variant is likely to be tolerated. Algorithms developed to predict the effect of sequence changes on RNA splicing suggest that this variant may create or strengthen a splice site. In summary, the available evidence is currently insufficient to determine the role of this variant in disease. Therefore, it has been classified as a Variant of Uncertain Significance.

Ambry Genetics
Classification: Uncertain significance for Inborn genetic diseases. Last evaluated: 2021-08-30. Review status: criteria provided, single submitter. Criteria: Ambry Variant Classification Scheme 2023. Collection method: clinical testing. Allele origin: germline.

NM_014264.5(PLK4):c.1254G>C (p.Glu418Asp)

Gene: PLK4 (polo like kinase 4; plus strand). Cytogenetic location: 4q28.1.
Variant type: single nucleotide variant.
Coding change: c.1254G>C on transcript NM_014264.5 (MANE Select); coding-DNA position 1254, G replaced by C.
Protein change: p.Glu418Asp; replaces glutamic acid 418 with aspartic acid.
Molecular consequence: missense variant.
Genome position (GRCh38, 1-based): chr4:127,886,624, G>C. VCF-style: chr4-127886624-G-C. GRCh37 (hg19) VCF-style: chr4-128807779-G-C.
Other names: c.1158G>C, p.Glu386Asp (NM_001190799.2); c.1131G>C, p.Glu377Asp (NM_001190801.2); short protein forms E386D, E418D, E377D.
Identifiers: ClinVar variation 940608 (VCV000940608.5), dbSNP rs369153451, ClinGen allele CA3076713.